The following is an entry in ClinVar:

ClinVar aggregate classification (germline): Uncertain significance. Review status: criteria provided, multiple submitters, no conflicts (2 of 4 stars). 2 submissions from 2 submitters: Uncertain significance (2). Last evaluated 2023-08-01.

Conditions:
Early-infantile DEE. Also called: Early infantile epileptic encephalopathy; Early infantile epileptic encephalopathy with suppression bursts; Ohtahara syndrome. Identifiers: Orphanet 1934, MedGen C0393706, MONDO:0800491.

Submissions (2):

CeGaT Center for Human Genetics Tuebingen
Classification: Uncertain significance. Last evaluated: 2023-08-01. Review status: criteria provided, single submitter. Criteria: CeGaT Center For Human Genetics Tuebingen Variant Classification Criteria Version 2. Collection method: clinical testing. Allele origin: germline. Affected: yes. Observed: 1 variant allele.
Comment: SCN1A: PM1, PM2, PP2

Labcorp Genetics (formerly Invitae), Labcorp
Classification: Uncertain significance for Early-infantile DEE. Last evaluated: 2022-06-24. Review status: criteria provided, single submitter. Criteria: Invitae Variant Classification Sherloc (09022015). Collection method: clinical testing. Allele origin: germline.
Comment: This variant has not been reported in the literature in individuals affected with SCN1A-related conditions. Algorithms developed to predict the effect of missense changes on protein structure and function (SIFT, PolyPhen-2, Align-GVGD) all suggest that this variant is likely to be disruptive. In summary, the available evidence is currently insufficient to determine the role of this variant in disease. Therefore, it has been classified as a Variant of Uncertain Significance. This sequence change replaces serine, which is neutral and polar, with proline, which is neutral and non-polar, at codon 1760 of the SCN1A protein (p.Ser1760Pro). This variant is not present in population databases (gnomAD no frequency).

NM_001165963.4(SCN1A):c.5278T>C (p.Ser1760Pro)

Genes: SCN1A (sodium voltage-gated channel alpha subunit 1; minus strand), LOC102724058 (uncharacterized LOC102724058; plus strand). Cytogenetic location: 2q24.3.
Variant type: single nucleotide variant.
Coding change: c.5278T>C on transcript NM_001165963.4 (MANE Select); coding-DNA position 5278, T replaced by C.
Protein change: p.Ser1760Pro; replaces serine 1760 with proline.
Molecular consequence: missense variant. On other transcripts: non-coding transcript variant (1).
Genome position (GRCh38, 1-based): chr2:165,991,997, A>G on the plus strand (T>C on the coding strand, the complement: SCN1A is on the minus strand). VCF-style: chr2-165991997-A-G. GRCh37 (hg19) VCF-style: chr2-166848507-A-G.
Other names: c.5278T>C, p.Ser1760Pro (NM_001202435.3, NM_001353948.2); c.5245T>C, p.Ser1749Pro (NM_001353949.2, NM_001353950.2, NM_001353951.2 and 2 more transcripts); c.5242T>C, p.Ser1748Pro (NM_001353954.2, NM_001353955.2); c.5194T>C, p.Ser1732Pro (NM_001353957.2, NM_001353958.2, NM_001165964.3); c.5191T>C, p.Ser1731Pro (NM_001353960.2); c.2836T>C, p.Ser946Pro (NM_001353961.2); short protein forms S946P, S1731P, S1732P, S1748P, S1760P, S1749P.
Identifiers: ClinVar variation 2010295 (VCV002010295.29), dbSNP rs925402777, ClinGen allele CA349068302.